The following is an entry in ClinVar:

ClinVar aggregate classification (germline): Likely pathogenic (1 of 4 stars; one submission).

Conditions:
Alpha-N-acetylgalactosaminidase deficiency type 1. Also called: SCHINDLER DISEASE, TYPE I; ALPHA-N-ACETYLGALACTOSAMINIDASE DEFICIENCY, TYPE I; NAGA DEFICIENCY, TYPE I; NEUROAXONAL DYSTROPHY, SCHINDLER TYPE. Identifiers: Orphanet 3137, Orphanet 79279, Orphanet 79281, MedGen C1836544, MONDO:0012221, OMIM 609241.

gnomAD v4.1: 6 of 1,614,220 alleles (0.00037%); highest among the groups gnomAD compares: Non-Finnish European, 0.00042%; no homozygotes.

Submission:

Labcorp Genetics (formerly Invitae), Labcorp
Classification: Likely pathogenic for Alpha-N-acetylgalactosaminidase deficiency type 1. Last evaluated: 2023-03-22. Review status: criteria provided, single submitter. Criteria: Invitae Variant Classification Sherloc (09022015). Collection method: clinical testing. Allele origin: germline.
Comment: In summary, the currently available evidence indicates that the variant is pathogenic, but additional data are needed to prove that conclusively. Therefore, this variant has been classified as Likely Pathogenic. Algorithms developed to predict the effect of sequence changes on RNA splicing suggest that this variant may disrupt the consensus splice site. This variant has not been reported in the literature in individuals affected with NAGA-related conditions. This variant is not present in population databases (gnomAD no frequency). This sequence change affects a donor splice site in intron 1 of the NAGA gene. It is expected to disrupt RNA splicing. Variants that disrupt the donor or acceptor splice site typically lead to a loss of protein function (PMID: 16199547), and loss-of-function variants in NAGA are known to be pathogenic (PMID: 8782044, 11251574).

Literature cited by the submitters: PubMed 16199547; PubMed 8782044; PubMed 11251574.

NM_000262.3(NAGA):c.16+1G>A

Gene: NAGA (alpha-N-acetylgalactosaminidase; minus strand). Cytogenetic location: 22q13.2.
Variant type: single nucleotide variant.
Coding change: c.16+1G>A on transcript NM_000262.3 (MANE Select); the canonical splice donor site of the intron after coding-DNA position 16, G replaced by A.
Molecular consequence: splice donor variant.
Genome position (GRCh38, 1-based): chr22:42,070,281, C>T on the plus strand (G>A on the coding strand, the complement: NAGA is on the minus strand). VCF-style: chr22-42070281-C-T. GRCh37 (hg19) VCF-style: chr22-42466285-C-T.
Other names: c.16+1G>A (NM_001362850.1, NM_001362848.1).
Identifiers: ClinVar variation 2848506 (VCV002848506.3), dbSNP rs1358903734, ClinGen allele CA411769710.